The following is an entry in ClinVar:

NM_017662.5(TRPM6):c.5934G>A (p.Pro1978=)

Gene: TRPM6 (transient receptor potential cation channel subfamily M member 6; minus strand). Cytogenetic location: 9q21.13.
Variant type: single nucleotide variant.
Coding change: c.5934G>A on transcript NM_017662.5 (MANE Select); coding-DNA position 5934, G replaced by A.
Protein change: p.Pro1978=; no amino-acid change (proline 1978 retained).
Molecular consequence: synonymous variant.
Genome position (GRCh38, 1-based): chr9:74,728,240, C>T on the plus strand (G>A on the coding strand, the complement: TRPM6 is on the minus strand). VCF-style: chr9-74728240-C-T. GRCh37 (hg19) VCF-style: chr9-77343156-C-T.
Other names: c.5919G>A, p.Pro1973= (NM_001177310.2, NM_001177311.2).
Identifiers: ClinVar variation 1901488 (VCV001901488.6), dbSNP rs748626753, ClinGen allele CA5083666.

ClinVar aggregate classification (germline): Uncertain significance. Review status: criteria provided, multiple submitters, no conflicts (2 of 4 stars). 2 submissions from 2 submitters: Uncertain significance (2). Last evaluated 2024-02-26.

Conditions:
Intestinal hypomagnesemia 1. Also called: HYPOMAGNESEMIA, INTESTINAL, WITH SECONDARY HYPOCALCEMIA; HYPOMAGNESEMIC TETANY. Identifiers: Orphanet 30924, MedGen C1865974, MONDO:0011176, OMIM 602014.

Allele frequency attached by ClinVar (database versions not stated): TOPMed 0.00002; gnomAD 0.00003; gnomAD exomes 0.00004; ExAC 0.00009.
gnomAD v4.1: 59 of 1,611,604 alleles (0.0037%); highest among the groups gnomAD compares: South Asian, 0.033%; no homozygotes.

Submissions (2):

Fulgent Genetics
Classification: Uncertain significance for Intestinal hypomagnesemia 1. Last evaluated: 2024-02-26. Review status: criteria provided, single submitter. Criteria: ACMG Guidelines, 2015. Collection method: clinical testing. Allele origin: germline.

Labcorp Genetics (formerly Invitae), Labcorp
Classification: Uncertain significance. Last evaluated: 2022-11-22. Review status: criteria provided, single submitter. Criteria: Invitae Variant Classification Sherloc (09022015). Collection method: clinical testing. Allele origin: germline.
Comment: In summary, the available evidence is currently insufficient to determine the role of this variant in disease. Therefore, it has been classified as a Variant of Uncertain Significance. Algorithms developed to predict the effect of sequence changes on RNA splicing suggest that this variant is not likely to affect RNA splicing. This variant has not been reported in the literature in individuals affected with TRPM6-related conditions. This variant is present in population databases (rs748626753, gnomAD 0.04%). This sequence change affects codon 1978 of the TRPM6 mRNA. It is a 'silent' change, meaning that it does not change the encoded amino acid sequence of the TRPM6 protein. It affects a nucleotide within the consensus splice site.